The following is an entry in ClinVar:

ClinVar aggregate classification (germline): Uncertain significance (1 of 4 stars; one submission).

Allele frequency attached by ClinVar (database versions not stated): gnomAD 0.00003; TOPMed 0.00003; gnomAD exomes 0.00004.
gnomAD v4.1: 33 of 1,535,964 alleles (0.0021%); highest among the groups gnomAD compares: Middle Eastern, 0.017%; no homozygotes.

Submission:

Labcorp Genetics (formerly Invitae), Labcorp
Classification: Uncertain significance. Last evaluated: 2024-10-15. Review status: criteria provided, single submitter. Criteria: Invitae Variant Classification Sherloc (09022015). Collection method: clinical testing. Allele origin: germline.
Comment: This sequence change replaces alanine, which is neutral and non-polar, with threonine, which is neutral and polar, at codon 679 of the ARMC9 protein (p.Ala679Thr). This variant is present in population databases (no rsID available, gnomAD 0.02%). This variant has not been reported in the literature in individuals affected with ARMC9-related conditions. ClinVar contains an entry for this variant (Variation ID: 1435160). Experimental studies and prediction algorithms are not available or were not evaluated, and the functional significance of this variant is currently unknown. In summary, the available evidence is currently insufficient to determine the role of this variant in disease. Therefore, it has been classified as a Variant of Uncertain Significance.

NM_001352754.2(ARMC9):c.2035G>A (p.Ala679Thr)

Gene: ARMC9 (armadillo repeat containing 9; plus strand). Cytogenetic location: 2q37.1.
Variant type: single nucleotide variant.
Coding change: c.2035G>A on transcript NM_001352754.2 (MANE Select); coding-DNA position 2035, G replaced by A.
Protein change: p.Ala679Thr; replaces alanine 679 with threonine.
Molecular consequence: missense variant.
Genome position (GRCh38, 1-based): chr2:231,355,838, G>A. VCF-style: chr2-231355838-G-A. GRCh37 (hg19) VCF-style: chr2-232220550-G-A.
Other names: c.2035G>A, p.Ala679Thr (NM_001271466.4); short protein forms A679T.
Identifiers: ClinVar variation 1435160 (VCV001435160.5), dbSNP rs1299878585, ClinGen allele CA350957653.